The following is an entry in ClinVar:

NM_001363118.2(SLC52A2):c.740C>T (p.Ser247Phe)

Gene: SLC52A2 (solute carrier family 52 member 2; plus strand). Cytogenetic location: 8q24.3.
Variant type: single nucleotide variant.
Coding change: c.740C>T on transcript NM_001363118.2 (MANE Select); coding-DNA position 740, C replaced by T.
Protein change: p.Ser247Phe; replaces serine 247 with phenylalanine.
Molecular consequence: missense variant. On other transcripts: non-coding transcript variant (1).
Genome position (GRCh38, 1-based): chr8:144,360,232, C>T. VCF-style: chr8-144360232-C-T. GRCh37 (hg19) VCF-style: chr8-145583892-C-T.
Other names: c.740C>T, p.Ser247Phe (NM_001253815.2, NM_001253816.2, NM_001363120.2 and 2 more transcripts); c.248C>T, p.Ser83Phe (NM_001363122.2); short protein forms S247F, S83F.
Identifiers: ClinVar variation 1372713 (VCV001372713.7), dbSNP rs538577149, ClinGen allele CA4938267.
Genomic context (GRCh38, chr8:144,360,232, plus strand): 5'-GGGAGTTAGGATCAGGCCTCCAGGTGGGAGCCCCAGGAGCAGAGGAAGAGGTGGAAGAGT[C>T]CTCACCACTGCAAGAGCCACCAAGCCAGGCAGCAGGCACCACCCCTGGTCCAGACCCTAA-3'
Protein context (NP_001350047.1, residues 237-257): APGAEEEVEE[Ser247Phe]SPLQEPPSQA

ClinVar aggregate classification (germline): Uncertain significance. Review status: criteria provided, multiple submitters, no conflicts (2 of 4 stars). 2 submissions from 2 submitters: Uncertain significance (2). Last evaluated 2022-02-09.

Conditions:
Inborn genetic diseases. Identifiers: MedGen C0950123, MeSH D030342.
Brown-Vialetto-van Laere syndrome 2. Also called: SPINOCEREBELLAR ATAXIA WITH BLINDNESS AND DEAFNESS 2; Riboflavin transporter deficiency type 2. Identifiers: Orphanet 572543, Orphanet 97229, MedGen C3553538, MONDO:0013867, OMIM 614707.

Allele frequency attached by ClinVar (database versions not stated): gnomAD exomes 0.00001 and 0.00002; 1000 Genomes Project 0.00020; 1000 Genomes Project 30x 0.00031; gnomAD 0.00001; TOPMed 0.00001; ExAC 0.00003.
gnomAD v4.1: 21 of 1,612,732 alleles (0.0013%); highest among the groups gnomAD compares: Admixed American, 0.0033%; no homozygotes.

Submissions (2):

Labcorp Genetics (formerly Invitae), Labcorp
Classification: Uncertain significance for Brown-Vialetto-van Laere syndrome 2. Last evaluated: 2022-02-09. Review status: criteria provided, single submitter. Criteria: Invitae Variant Classification Sherloc (09022015). Collection method: clinical testing. Allele origin: germline.
Comment: This sequence change replaces serine, which is neutral and polar, with phenylalanine, which is neutral and non-polar, at codon 247 of the SLC52A2 protein (p.Ser247Phe). This variant is present in population databases (rs538577149, gnomAD 0.004%). This variant has not been reported in the literature in individuals affected with SLC52A2-related conditions. Advanced modeling of protein sequence and biophysical properties (such as structural, functional, and spatial information, amino acid conservation, physicochemical variation, residue mobility, and thermodynamic stability) performed at Invitae indicates that this missense variant is not expected to disrupt SLC52A2 protein function. In summary, the available evidence is currently insufficient to determine the role of this variant in disease. Therefore, it has been classified as a Variant of Uncertain Significance.

Ambry Genetics
Classification: Uncertain significance for Inborn genetic diseases. Last evaluated: 2019-10-30. Review status: criteria provided, single submitter. Criteria: Ambry Variant Classification Scheme 2023. Collection method: clinical testing. Allele origin: germline.
Comment: The p.S247F variant (also known as c.740C>T), located in coding exon 2 of the SLC52A2 gene, results from a C to T substitution at nucleotide position 740. The serine at codon 247 is replaced by phenylalanine, an amino acid with highly dissimilar properties. This amino acid position is poorly conserved in available vertebrate species. In addition, this alteration is predicted to be tolerated by in silico analysis. Since supporting evidence is limited at this time, the clinical significance of this alteration remains unclear.